The following is an entry in ClinVar:

ClinVar aggregate classification (germline): Uncertain significance. Review status: criteria provided, multiple submitters, no conflicts (2 of 4 stars). 4 submissions from 4 submitters: Uncertain significance (4). Last evaluated 2025-07-07.

Conditions:
MYBPC3-related disorder. Also called: MYBPC3-related disorders; MYBPC3-related condition; MYBPC3-related disease.
Cardiovascular phenotype. Identifiers: MedGen CN230736.
Hypertrophic cardiomyopathy. Also called: HYPERTROPHIC MYOCARDIOPATHY. Identifiers: Orphanet 217569, MedGen C0007194, MeSH D002312, MONDO:0005045, HP:0001639.

Submissions (4):

Ambry Genetics
Classification: Uncertain significance for Cardiovascular phenotype. Last evaluated: 2025-07-07. Review status: criteria provided, single submitter. Criteria: Ambry Variant Classification Scheme 2023. Collection method: clinical testing. Allele origin: germline.
Comment: The p.W1086R variant (also known as c.3256T>C), located in coding exon 30 of the MYBPC3 gene, results from a T to C substitution at nucleotide position 3256. The tryptophan at codon 1086 is replaced by arginine, an amino acid with dissimilar properties. This variant was reported in individual(s) with features consistent with hypertrophic cardiomyopathy (Walsh R et al. Genet Med, 2017 Feb;19:192-203; Norrish G et al. Circulation, 2019 Jul;140:184-192). This amino acid position is highly conserved in available vertebrate species. In addition, this alteration is predicted to be deleterious by in silico analysis. Based on the available evidence, the clinical significance of this variant remains unclear.

PreventionGenetics, part of Exact Sciences
Classification: Uncertain significance for MYBPC3-related condition. Last evaluated: 2025-03-28. Review status: criteria provided, single submitter. Criteria: ACMG Guidelines, 2015. Collection method: clinical testing. Allele origin: germline.
Comment: The MYBPC3 c.3256T>C variant is predicted to result in the amino acid substitution p.Trp1086Arg. This variant has been reported in at least one individual with hypertrophic cardiomyopathy (Table S1A, Walsh et al. 2017. PubMed ID: 27532257; Table S1, Norrish et al. 2019. PubMed ID: 31006259; Table S8, McGurk et al. 2023. PubMed ID: 37652022). This variant has not been reported in a large population database (gnomAD), indicating this variant is rare. At this time, the clinical significance of this variant is uncertain due to the absence of conclusive functional and genetic evidence.

Labcorp Genetics (formerly Invitae), Labcorp
Classification: Uncertain significance for Hypertrophic cardiomyopathy. Last evaluated: 2024-06-19. Review status: criteria provided, single submitter. Criteria: Invitae Variant Classification Sherloc (09022015). Collection method: clinical testing. Allele origin: germline.
Comment: This sequence change replaces tryptophan, which is neutral and slightly polar, with arginine, which is basic and polar, at codon 1086 of the MYBPC3 protein (p.Trp1086Arg). This variant is not present in population databases (gnomAD no frequency). This missense change has been observed in individual(s) with hypertrophic cardiomyopathy (PMID: 27532257, 37652022). ClinVar contains an entry for this variant (Variation ID: 684832). An algorithm developed to predict the effect of missense changes on protein structure and function (PolyPhen-2) suggests that this variant is likely to be disruptive. In summary, the available evidence is currently insufficient to determine the role of this variant in disease. Therefore, it has been classified as a Variant of Uncertain Significance.

Molecular Diagnostic Laboratory for Inherited Cardiovascular Disease, Montreal Heart Institute
Classification: Uncertain significance. Review status: criteria provided, single submitter. Criteria: ACMG Guidelines, 2015. Collection method: clinical testing. Allele origin: germline. Affected: yes.

Literature cited by the submitters: PubMed 27532257 (cited by Ambry Genetics and Labcorp Genetics (formerly Invitae), Labcorp); PubMed 31006259 (cited by Ambry Genetics); PubMed 37652022 (cited by Labcorp Genetics (formerly Invitae), Labcorp).

NM_000256.3(MYBPC3):c.3256T>C (p.Trp1086Arg)

Gene: MYBPC3 (myosin binding protein C3; minus strand). Cytogenetic location: 11p11.2.
Variant type: single nucleotide variant.
Coding change: c.3256T>C on transcript NM_000256.3 (MANE Select); coding-DNA position 3256, T replaced by C.
Protein change: p.Trp1086Arg; replaces tryptophan 1086 with arginine.
Molecular consequence: missense variant.
Genome position (GRCh38, 1-based): chr11:47,333,268, A>G on the plus strand (T>C on the coding strand, the complement: MYBPC3 is on the minus strand). VCF-style: chr11-47333268-A-G. GRCh37 (hg19) VCF-style: chr11-47354819-A-G.
Other names: short protein forms W1086R.
Identifiers: ClinVar variation 684832 (VCV000684832.6), dbSNP rs1595841556, ClinGen allele CA380314293.